The following is an entry in ClinVar:

ClinVar aggregate classification (germline): Benign (1 of 4 stars; one submission).

Allele frequency attached by ClinVar (database versions not stated): 1000 Genomes Project 0.35523; 1000 Genomes Project 30x 0.36254; gnomAD 0.45176 and 0.45807; TOPMed 0.45220; gnomAD exomes 0.49889.
gnomAD v4.1: 247,020 of 505,532 alleles (49%); highest among the groups gnomAD compares: Admixed American, 56%; 43,969 homozygotes.

Submission:

GeneDx
Classification: Benign. Last evaluated: 2018-06-14. Review status: criteria provided, single submitter. Criteria: GeneDx Variant Classification (06012015). Collection method: clinical testing. Allele origin: germline. Affected: yes.
Comment: This variant is considered likely benign or benign based on one or more of the following criteria: it is a conservative change, it occurs at a poorly conserved position in the protein, it is predicted to be benign by multiple in silico algorithms, and/or has population frequency not consistent with disease.

NM_004006.3(DMD):c.649+145T>C

Gene: DMD (dystrophin; minus strand). Cytogenetic location: Xp21.1.
Variant type: single nucleotide variant.
Coding change: c.649+145T>C on transcript NM_004006.3 (MANE Select); 145 bases into the intron after coding-DNA position 649, T replaced by C.
Molecular consequence: intron variant.
Genome position (GRCh38, 1-based): chrX:32,809,348, A>G on the plus strand (T>C on the coding strand, the complement: DMD is on the minus strand). VCF-style: chrX-32809348-A-G. GRCh37 (hg19) VCF-style: chrX-32827465-A-G.
Other names: c.625+145T>C (NM_000109.4); c.637+145T>C (NM_004009.3); c.280+145T>C (NM_004010.3).
Identifiers: ClinVar variation 671236 (VCV000671236.1), dbSNP rs1015509, ClinGen allele CA328573442.